The following is an entry in ClinVar:

ClinVar aggregate classification (germline): Pathogenic. Review status: criteria provided, multiple submitters, no conflicts (2 of 4 stars). 3 submissions from 3 submitters: Pathogenic (3). Last evaluated 2025-07-01.

Conditions:
Hereditary spastic paraplegia 4. Also called: Spastic Paraplegia 4; Familial spastic paraplegia autosomal dominant 2; Spastic paraplegia 4, autosomal dominant. Identifiers: Orphanet 100985, MedGen C1866855, MONDO:0008438, OMIM 182601.

Allele frequency attached by ClinVar (database versions not stated): TOPMed below 0.00001.

Submissions (3):

CeGaT Center for Human Genetics Tuebingen
Classification: Pathogenic. Last evaluated: 2025-07-01. Review status: criteria provided, single submitter. Criteria: CeGaT Center For Human Genetics Tuebingen Variant Classification Criteria Version 2. Collection method: clinical testing. Allele origin: germline. Affected: yes. Observed: 1 variant allele.
Comment: SPAST: PVS1, PM2, PS4:Supporting

Department of Clinical Genetics, Copenhagen University Hospital, Rigshospitalet
Classification: Pathogenic for Hereditary spastic paraplegia 4. Last evaluated: 2024-11-01. Review status: criteria provided, single submitter. Criteria: ACMG Guidelines, 2015. Collection method: clinical testing. Allele origin: germline.
Comment: PVS1_VStr, PP3_M, PM2_Sup

Labcorp Genetics (formerly Invitae), Labcorp
Classification: Pathogenic for Hereditary spastic paraplegia 4. Last evaluated: 2019-04-30. Review status: criteria provided, single submitter. Criteria: Invitae Variant Classification Sherloc (09022015). Collection method: clinical testing. Allele origin: germline.
Comment: For these reasons, this variant has been classified as Pathogenic. Donor and acceptor splice site variants typically lead to a loss of protein function (PMID: 16199547), and loss-of-function variants in SPAST are known to be pathogenic (PMID: 20932283). Disruption of this splice site has been observed in several individuals and families affected with hereditary spastic paraplegia (PMID: 10699187, 16832076, 20718791). This variant is not present in population databases (ExAC no frequency). This sequence change affects a donor splice site in intron 7 of the SPAST gene. It is expected to disrupt RNA splicing and likely results in an absent or disrupted protein product.

Literature cited by the submitters: PubMed 25525159 (cited by Department of Clinical Genetics, Copenhagen University Hospital, Rigshospitalet); PubMed 16199547 (cited by Labcorp Genetics (formerly Invitae), Labcorp); PubMed 20932283 (cited by Labcorp Genetics (formerly Invitae), Labcorp); PubMed 10699187 (cited by Labcorp Genetics (formerly Invitae), Labcorp); PubMed 16832076 (cited by Labcorp Genetics (formerly Invitae), Labcorp); PubMed 20718791 (cited by Labcorp Genetics (formerly Invitae), Labcorp).

NM_014946.4(SPAST):c.1098+1G>A

Gene: SPAST (spastin; plus strand). Cytogenetic location: 2p22.3.
Variant type: single nucleotide variant.
Coding change: c.1098+1G>A on transcript NM_014946.4 (MANE Select); the canonical splice donor site of the intron after coding-DNA position 1098, G replaced by A.
Molecular consequence: splice donor variant.
Genome position (GRCh38, 1-based): chr2:32,116,213, G>A. VCF-style: chr2-32116213-G-A. GRCh37 (hg19) VCF-style: chr2-32341282-G-A.
Other names: c.1002+1G>A (NM_199436.2, NM_001377959.1); c.1095+1G>A (NM_001363823.2); c.999+1G>A (NM_001363875.2).
Identifiers: ClinVar variation 947424 (VCV000947424.19), dbSNP rs1377020559, ClinGen allele CA346499892.
Genomic context (GRCh38, chr2:32,116,213, plus strand): 5'-CAAGACTTGGCAAAACAAGCATTGCAAGAAATTGTTATTCTTCCTTCTCTGAGGCCTGAG[G>A]TAAGAACTTTATATTATCATTTTTCTATAATACCATCTGTTACTGAATCCATAGTAGTAG-3'